The following is an entry in ClinVar:

NM_024675.4(PALB2):c.2579A>G (p.Glu860Gly)

Gene: PALB2 (partner and localizer of BRCA2; minus strand). Cytogenetic location: 16p12.2.
Variant type: single nucleotide variant.
Coding change: c.2579A>G on transcript NM_024675.4 (MANE Select); coding-DNA position 2579, A replaced by G.
Protein change: p.Glu860Gly; replaces glutamic acid 860 with glycine.
Molecular consequence: missense variant.
Genome position (GRCh38, 1-based): chr16:23,629,211, T>C on the plus strand (A>G on the coding strand, the complement: PALB2 is on the minus strand). VCF-style: chr16-23629211-T-C. GRCh37 (hg19) VCF-style: chr16-23640532-T-C.
Other names: c.1694A>G, p.Glu565Gly (NM_001407304.1, NM_001407305.1, NM_001407306.1 and 5 more transcripts); c.791A>G, p.Glu264Gly (NM_001407312.1, NM_001407313.1); c.2519A>G, p.Glu840Gly (NM_001407296.1); c.2579A>G, p.Glu860Gly (NM_001407298.1, NM_001407299.1, NM_001407300.1 and 2 more transcripts); c.113A>G, p.Glu38Gly (NM_001407314.1); short protein forms E840G, E860G, E38G, E565G, E264G.
Identifiers: ClinVar variation 2099309 (VCV002099309.6), dbSNP rs2506395600, ClinGen allele CA395123658.
Genomic context (GRCh38, chr16:23,629,211, plus strand): 5'-TTAAAGTTTTCATATGTAAGACACGAGACACTGGAAGAGAATATTCTTCTGACCTTTAAC[T>C]CTGAAACCAATTGTAGGTTGCCTGGGTTTATGCTATCAGAAGCAGGAAGCTCTGCTGTTT-3'
Protein context (NP_078951.2, residues 850-870): INPGNLQLVS[Glu860Gly]LKNPSGSCSV

ClinVar aggregate classification (germline): Uncertain significance. Review status: criteria provided, multiple submitters, no conflicts (2 of 4 stars). 3 submissions from 3 submitters: Uncertain significance (3). Last evaluated 2026-07-07.

Conditions:
Familial cancer of breast. Also called: Hereditary breast cancer; BREAST CANCER, FAMILIAL; hereditary breast carcinoma. Identifiers: Orphanet 227535, MedGen C0346153, MONDO:0016419, OMIM 114480. Disease mechanism: loss of function.
Hereditary cancer-predisposing syndrome. Also called: Tumor predisposition; Hereditary Cancer Syndrome; Hereditary neoplastic syndrome; Neoplastic Syndromes, Hereditary. Identifiers: Orphanet 140162, MedGen C0027672, MeSH D009386, MONDO:0015356.

Allele frequency attached by ClinVar (database versions not stated): gnomAD exomes below 0.00001.
gnomAD v4.1: 1 of 1,612,518 alleles (0.000062%); highest among the groups gnomAD compares: South Asian, 0.0011%; no homozygotes.

Submissions (3):

Ambry Genetics
Classification: Uncertain significance for Hereditary cancer-predisposing syndrome. Last evaluated: 2026-07-07. Review status: criteria provided, single submitter. Criteria: Ambry Variant Classification Scheme 2023. Collection method: clinical testing. Allele origin: germline.
Comment: The p.E860G variant (also known as c.2579A>G), located in coding exon 6 of the PALB2 gene, results from an A to G substitution at nucleotide position 2579. The glutamic acid at codon 860 is replaced by glycine, an amino acid with similar properties. This amino acid position is conserved. In addition, this alteration is predicted to be tolerated by in silico analysis. Based on the available evidence, the clinical significance of this variant remains unclear.

Molecular Pathology, Peter Maccallum Cancer Centre
Classification: Uncertain significance for Familial cancer of breast. Last evaluated: 2024-08-21. Review status: criteria provided, single submitter. Criteria: ACMG Guidelines, 2015. Collection method: clinical testing. Allele origin: germline. Inheritance: Autosomal dominant inheritance.

Labcorp Genetics (formerly Invitae), Labcorp
Classification: Uncertain significance for Familial cancer of breast. Last evaluated: 2022-02-19. Review status: criteria provided, single submitter. Criteria: Invitae Variant Classification Sherloc (09022015). Collection method: clinical testing. Allele origin: germline.
Comment: In summary, the available evidence is currently insufficient to determine the role of this variant in disease. Therefore, it has been classified as a Variant of Uncertain Significance. Algorithms developed to predict the effect of missense changes on protein structure and function are either unavailable or do not agree on the potential impact of this missense change (SIFT: "Deleterious"; PolyPhen-2: "Benign"; Align-GVGD: "Class C15"). This variant has not been reported in the literature in individuals affected with PALB2-related conditions. This variant is not present in population databases (gnomAD no frequency). This sequence change replaces glutamic acid, which is acidic and polar, with glycine, which is neutral and non-polar, at codon 860 of the PALB2 protein (p.Glu860Gly).